The following is an entry in ClinVar:

ClinVar aggregate classification (germline): Uncertain significance (1 of 4 stars; one submission).

Submission:

Labcorp Genetics (formerly Invitae), Labcorp
Classification: Uncertain significance. Last evaluated: 2022-07-29. Review status: criteria provided, single submitter. Criteria: Invitae Variant Classification Sherloc (09022015). Collection method: clinical testing. Allele origin: germline.
Comment: This sequence change replaces threonine, which is neutral and polar, with isoleucine, which is neutral and non-polar, at codon 74 of the IFT43 protein (p.Thr74Ile). This variant is not present in population databases (gnomAD no frequency). This variant has not been reported in the literature in individuals affected with IFT43-related conditions. Algorithms developed to predict the effect of missense changes on protein structure and function (SIFT, PolyPhen-2, Align-GVGD) all suggest that this variant is likely to be tolerated. In summary, the available evidence is currently insufficient to determine the role of this variant in disease. Therefore, it has been classified as a Variant of Uncertain Significance.

NM_001102564.3(IFT43):c.296-5693C>T

Gene: IFT43 (intraflagellar transport 43; plus strand). Cytogenetic location: 14q24.3.
Variant type: single nucleotide variant.
Coding change: c.296-5693C>T on transcript NM_001102564.3 (MANE Select); 5693 bases into the intron before coding-DNA position 296, C replaced by T.
Molecular consequence: intron variant. On other transcripts: missense variant (1).
Genome position (GRCh38, 1-based): chr14:76,076,602, C>T. VCF-style: chr14-76076602-C-T. GRCh37 (hg19) VCF-style: chr14-76542945-C-T.
Other names: c.221C>T, p.Thr74Ile (NM_052873.3); short protein forms T74I.
Identifiers: ClinVar variation 1714089 (VCV001714089.5), dbSNP rs2503204945, ClinGen allele CA390473343.
Genomic context (GRCh38, chr14:76,076,602, plus strand): 5'-TGGGGTATACTCATTGCAAGCTGAGTCCAATCTAAGAAGTCACTTTCTGTTCTAGCGGTA[C>T]CCAAACAGGCAAACAACAGCTGGATCTGAACGCATGCTATCACAAAACGCATCACAGAGA-3'